The following is an entry in ClinVar:

NM_000179.3(MSH6):c.3293G>A (p.Cys1098Tyr)

Gene: MSH6 (mutS homolog 6; plus strand). Cytogenetic location: 2p16.3.
Variant type: single nucleotide variant.
Coding change: c.3293G>A on transcript NM_000179.3 (MANE Select); coding-DNA position 3293, G replaced by A.
Protein change: p.Cys1098Tyr; replaces cysteine 1098 with tyrosine.
Molecular consequence: missense variant.
Genome position (GRCh38, 1-based): chr2:47,803,540, G>A. VCF-style: chr2-47803540-G-A. GRCh37 (hg19) VCF-style: chr2-48030679-G-A.
Other names: c.2903G>A, p.Cys968Tyr (NM_001281492.2); c.2387G>A, p.Cys796Tyr (NM_001281493.2, NM_001281494.2); short protein forms C1098Y, C968Y, C796Y.
Identifiers: ClinVar variation 233674 (VCV000233674.19), dbSNP rs876660564, ClinGen allele CA10578139.
Genomic context (GRCh38, chr2:47,803,540, plus strand): 5'-TAATTCTGTTGCCGGAAGATACCCCCCCCTTCTTAGAGCTTAAAGGATCACGCCATCCTT[G>A]CATTACGAAGACTTTTTTTGGAGATGATTTTATTCCTAATGACATTCTAATAGGCTGTGA-3'
Protein context (NP_000170.1, residues 1088-1108): FLELKGSRHP[Cys1098Tyr]ITKTFFGDDF

ClinVar aggregate classification (germline): Uncertain significance. Review status: criteria provided, multiple submitters, no conflicts (2 of 4 stars). 6 submissions from 6 submitters: Uncertain significance (6). Last evaluated 2024-09-14.

Conditions:
Endometrial carcinoma. Also called: Endometrial carcinoma, somatic. Identifiers: MedGen C0476089, MONDO:0002447, OMIM 608089, HP:0012114.
Hereditary cancer-predisposing syndrome. Also called: Neoplastic Syndromes, Hereditary; Tumor predisposition; Hereditary Cancer Syndrome; Hereditary neoplastic syndrome. Identifiers: Orphanet 140162, MedGen C0027672, MeSH D009386, MONDO:0015356.
Hereditary nonpolyposis colorectal neoplasms. Identifiers: MedGen C0009405, MeSH D003123.
Lynch syndrome. Identifiers: Orphanet 144, MedGen C4552100, MONDO:0005835. Disease mechanism: loss of function.

Submissions (6):

Labcorp Genetics (formerly Invitae), Labcorp
Classification: Uncertain significance for Hereditary nonpolyposis colorectal neoplasms. Last evaluated: 2024-09-14. Review status: criteria provided, single submitter. Criteria: Invitae Variant Classification Sherloc (09022015). Collection method: clinical testing. Allele origin: germline.
Comment: This sequence change replaces cysteine, which is neutral and slightly polar, with tyrosine, which is neutral and polar, at codon 1098 of the MSH6 protein (p.Cys1098Tyr). This variant is not present in population databases (gnomAD no frequency). This variant has not been reported in the literature in individuals affected with MSH6-related conditions. ClinVar contains an entry for this variant (Variation ID: 233674). Invitae Evidence Modeling of protein sequence and biophysical properties (such as structural, functional, and spatial information, amino acid conservation, physicochemical variation, residue mobility, and thermodynamic stability) has been performed for this missense variant. However, the output from this modeling did not meet the statistical confidence thresholds required to predict the impact of this variant on MSH6 protein function. In summary, the available evidence is currently insufficient to determine the role of this variant in disease. Therefore, it has been classified as a Variant of Uncertain Significance.

Ambry Genetics
Classification: Uncertain significance for Hereditary cancer-predisposing syndrome. Last evaluated: 2024-04-08. Review status: criteria provided, single submitter. Criteria: Ambry Variant Classification Scheme 2023. Collection method: clinical testing. Allele origin: germline.
Comment: The p.C1098Y variant (also known as c.3293G>A), located in coding exon 5 of the MSH6 gene, results from a G to A substitution at nucleotide position 3293. The cysteine at codon 1098 is replaced by tyrosine, an amino acid with highly dissimilar properties. This amino acid position is highly conserved in available vertebrate species. In addition, this alteration is predicted to be deleterious by in silico analysis. Based on the available evidence, the clinical significance of this variant remains unclear.

Baylor Genetics
Classification: Uncertain significance for Endometrial carcinoma. Last evaluated: 2023-11-18. Review status: criteria provided, single submitter. Criteria: ACMG Guidelines, 2015. Collection method: clinical testing. Allele origin: unknown.

All of Us Research Program, National Institutes of Health
Classification: Uncertain significance for Lynch syndrome. Last evaluated: 2023-05-31. Review status: criteria provided, single submitter. Criteria: ACMG Guidelines, 2015. Collection method: clinical testing. Allele origin: germline. Inheritance: Autosomal dominant inheritance. Observed: 1 variant allele, 1 heterozygote.
Comment: This missense variant replaces cysteine with tyrosine at codon 1098 of the MSH6 protein. Computational prediction suggests that this variant may have deleterious impact on protein structure and function (internally defined REVEL score threshold >= 0.7, PMID: 27666373). To our knowledge, functional studies have not been reported for this variant. This variant has not been reported in individuals affected with hereditary cancer in the literature. This variant has not been identified in the general population by the Genome Aggregation Database (gnomAD). The available evidence is insufficient to determine the role of this variant in disease conclusively. Therefore, this variant is classified as a Variant of Uncertain Significance.

This study involves interpretation of variants in research participants for the purpose of population health screening. Participant phenotype was not available at the time of variant classification. Additional details can be found in publication PMID: 35346344, PMCID: PMC8962531

GeneDx
Classification: Uncertain significance. Last evaluated: 2022-06-24. Review status: criteria provided, single submitter. Criteria: GeneDx Variant Classification Process June 2021. Collection method: clinical testing. Allele origin: germline. Affected: yes.
Comment: Not observed at significant frequency in large population cohorts (gnomAD); In silico analysis supports that this missense variant has a deleterious effect on protein structure/function; Has not been previously published as pathogenic or benign to our knowledge; This variant is associated with the following publications: (PMID: 17531815, 21120944)

Color Diagnostics, LLC DBA Color Health
Classification: Uncertain significance for Hereditary cancer-predisposing syndrome. Last evaluated: 2021-12-06. Review status: criteria provided, single submitter. Criteria: ACMG Guidelines, 2015. Collection method: clinical testing. Allele origin: germline.
Comment: This missense variant replaces cysteine with tyrosine at codon 1098 of the MSH6 protein. Computational prediction suggests that this variant may have deleterious impact on protein structure and function (internally defined REVEL score threshold >= 0.7, PMID: 27666373). To our knowledge, functional studies have not been reported for this variant. This variant has not been reported in individuals affected with hereditary cancer in the literature. This variant has not been identified in the general population by the Genome Aggregation Database (gnomAD). The available evidence is insufficient to determine the role of this variant in disease conclusively. Therefore, this variant is classified as a Variant of Uncertain Significance.